The following is an entry in ClinVar:

NM_015895.5(GMNN):c.121del (p.Glu41fs)

Gene: GMNN (geminin DNA replication inhibitor; plus strand). Cytogenetic location: 6p22.3.
Variant type: Deletion.
Coding change: c.121del on transcript NM_015895.5 (MANE Select); coding-DNA position 121, one base deleted (G; older notation c.121delG).
Protein change: p.Glu41fs; shifts the reading frame from glutamic acid 41.
Molecular consequence: frameshift variant.
Genome position (GRCh38, 1-based): chr6:24,780,732, G deleted. VCF-style (leftmost placement, unchanged base first): chr6-24780731-AG-A. GRCh37 (hg19) VCF-style: chr6-24780959-AG-A.
Other names: c.121del, p.Glu41fs (NM_001251989.2, NM_001251990.2, NM_001251991.1); short protein forms E41fs.
Identifiers: ClinVar variation 2058581 (VCV002058581.4), dbSNP rs2532433016, ClinGen allele CA2580074251.
Genomic context (GRCh38, chr6:24,780,731, plus strand): 5'-TGTCCCAAGAAGAACTCTGAAGATGATTCAGCCTTCTGCATCTGGATCTCTTGTTGGAAG[AG>A]AAAATGAGGTATGCACTATATGGCTAAAATGGGGTACTGGTGATACAGTGTCTACATCGA-3'

ClinVar aggregate classification (germline): Uncertain significance (1 of 4 stars; one submission).

Submission:

Labcorp Genetics (formerly Invitae), Labcorp
Classification: Uncertain significance. Last evaluated: 2022-07-03. Review status: criteria provided, single submitter. Criteria: Invitae Variant Classification Sherloc (09022015). Collection method: clinical testing. Allele origin: germline.
Comment: This sequence change creates a premature translational stop signal (p.Glu41Lysfs*18) in the GMNN gene. It is expected to result in an absent or disrupted protein product. However, the current clinical and genetic evidence is not sufficient to establish whether loss-of-function variants in GMNN cause disease. In summary, the available evidence is currently insufficient to determine the role of this variant in disease. Therefore, it has been classified as a Variant of Uncertain Significance. This variant has not been reported in the literature in individuals affected with GMNN-related conditions. This variant is not present in population databases (gnomAD no frequency).